The following is an entry in ClinVar:

NM_000426.4(LAMA2):c.8075+2dup

Gene: LAMA2 (laminin subunit alpha 2; plus strand). Cytogenetic location: 6q22.33.
Variant type: Duplication.
Coding change: c.8075+2dup on transcript NM_000426.4 (MANE Select); the canonical splice donor site of the intron after coding-DNA position 8075, one base duplicated (T; older notation c.8075+2dupT).
Molecular consequence: splice donor variant.
Genome position (GRCh38, 1-based): chr6:129,492,079, T duplicated. VCF-style (leftmost placement, unchanged base first): chr6-129492078-G-GT. GRCh37 (hg19) VCF-style: chr6-129813223-G-GT.
Other names: c.8063+2dup (NM_001079823.2).
Identifiers: ClinVar variation 1467844 (VCV001467844.6), dbSNP rs2114859967, ClinGen allele CA2573140509.

ClinVar aggregate classification (germline): Conflicting classifications of pathogenicity. Review status: criteria provided, conflicting classifications (1 of 4 stars). 2 submissions from 2 submitters: Likely pathogenic (1); Uncertain significance (1). Last evaluated 2022-05-30.

Conditions:
LAMA2-related muscular dystrophy (LAMA2-RD). Also called: Laminin alpha 2-related dystrophy. Identifiers: MedGen C5679788, MONDO:0100228.
Merosin deficient congenital muscular dystrophy (MDC1A). Also called: Congenital Muscular Dystrophy Type 1A (MDC1A); Congenital merosin-deficient muscular dystrophy 1A. Identifiers: Orphanet 258, MedGen C1263858, MONDO:0011925, OMIM 607855.

Allele frequency attached by ClinVar (database versions not stated): gnomAD exomes below 0.00001.

Submissions (2):

Baylor Genetics
Classification: Likely pathogenic for Merosin deficient congenital muscular dystrophy. Last evaluated: 2022-05-30. Review status: criteria provided, single submitter. Criteria: ACMG Guidelines, 2015. Collection method: clinical testing. Allele origin: unknown.

Labcorp Genetics (formerly Invitae), Labcorp
Classification: Uncertain significance for LAMA2-related muscular dystrophy. Last evaluated: 2022-03-08. Review status: criteria provided, single submitter. Criteria: Invitae Variant Classification Sherloc (09022015). Collection method: clinical testing. Allele origin: germline.
Comment: This sequence change falls in intron 57 of the LAMA2 gene. It does not directly change the encoded amino acid sequence of the LAMA2 protein. It affects a nucleotide within the consensus splice site. This variant is not present in population databases (gnomAD no frequency). This variant has not been reported in the literature in individuals affected with LAMA2-related conditions. Variants that disrupt the consensus splice site are a relatively common cause of aberrant splicing (PMID: 17576681, 9536098). Algorithms developed to predict the effect of sequence changes on RNA splicing suggest that this variant may disrupt the consensus splice site. In summary, the available evidence is currently insufficient to determine the role of this variant in disease. Therefore, it has been classified as a Variant of Uncertain Significance.

Literature cited by the submitters: PubMed 17576681 (cited by Labcorp Genetics (formerly Invitae), Labcorp); PubMed 9536098 (cited by Labcorp Genetics (formerly Invitae), Labcorp).